The following is an entry in ClinVar:

NM_002506.3(NGF):c.-12-1G>C

Genes: NGF (nerve growth factor; minus strand), NGF-AS1 (NGF antisense RNA 1; plus strand). Cytogenetic location: 1p13.2.
Variant type: single nucleotide variant.
Coding change: c.-12-1G>C on transcript NM_002506.3 (MANE Select); the canonical splice acceptor site of the intron before 12 bases upstream of the start codon, G replaced by C.
Molecular consequence: splice acceptor variant.
Genome position (GRCh38, 1-based): chr1:115,286,808, C>G on the plus strand (G>C on the coding strand, the complement: NGF is on the minus strand). VCF-style: chr1-115286808-C-G. GRCh37 (hg19) VCF-style: chr1-115829429-C-G.
Other names: c.-12-1G>C (NM_001437545.1).
Identifiers: ClinVar variation 4279517 (VCV004279517.1).

ClinVar aggregate classification (germline): Uncertain significance (1 of 4 stars; one submission).

Conditions:
Congenital sensory neuropathy with selective loss of small myelinated fibers (HSAN5). Also called: HSAN Type V. Identifiers: Orphanet 64752, MedGen C0020075, MONDO:0012092, OMIM 608654.

Submission:

Diagnostics Services (NGS), CSIR - Centre For Cellular And Molecular Biology
Classification: Uncertain significance for Congenital sensory neuropathy with selective loss of small myelinated fibers. Last evaluated: 2025-10-09. Review status: criteria provided, single submitter. Criteria: ACMG Guidelines, 2015. Collection method: clinical testing. Allele origin: germline. Affected: yes. Observed: 1 homozygote.
Comment: The c.-12-1G>C variant is not present in publicly available population databases like 1000 Genomes, EVS, gnomAD, Indian Exome Database or our internal database. The variant has neither been published in the literature for NGF-related conditions nor reported to clinical databases like Human Genome Mutation database (HGMD), OMIM, or ClinVar in any affected individuals. Algorithms developed to predict the effect of sequence changes on RNA splicing suggest that this variant can disrupt the consensus splice site, however these predictions were not confirmed by published functional/translational studies.